The following is an entry in ClinVar:

ClinVar aggregate classification (germline): Uncertain significance. Review status: criteria provided, multiple submitters, no conflicts (2 of 4 stars). 3 submissions from 3 submitters: Uncertain significance (3). Last evaluated 2025-05-05.

Conditions:
Essential hypertension, genetic (EHT). Identifiers: MedGen CN305331, MONDO:0007781, OMIM 145500.
Renal tubular dysgenesis of genetic origin. Also called: PRIMITIVE RENAL TUBULE SYNDROME. Identifiers: Orphanet 97369, MedGen C5681536, MONDO:0009970, OMIM 267430.

Allele frequency attached by ClinVar (database versions not stated): gnomAD 0.00004; ExAC 0.00007; TOPMed 0.00007; ESP Exome Variant Server 0.00008.

Submissions (3):

Mayo Clinic Laboratories, Mayo Clinic
Classification: Uncertain significance. Last evaluated: 2025-05-05. Review status: criteria provided, single submitter. Criteria: ACMG Guidelines, 2015. Collection method: clinical testing. Allele origin: germline. Observed: 1 variant allele.
Comment: BP4_moderate, PM2_supporting

Fulgent Genetics
Classification: Uncertain significance for Essential hypertension, genetic; Renal tubular dysgenesis of genetic origin. Last evaluated: 2024-01-29. Review status: criteria provided, single submitter. Criteria: ACMG Guidelines, 2015. Collection method: clinical testing. Allele origin: germline.

Labcorp Genetics (formerly Invitae), Labcorp
Classification: Uncertain significance. Last evaluated: 2022-08-10. Review status: criteria provided, single submitter. Criteria: Invitae Variant Classification Sherloc (09022015). Collection method: clinical testing. Allele origin: germline.
Comment: This sequence change replaces methionine, which is neutral and non-polar, with valine, which is neutral and non-polar, at codon 169 of the AGTR1 protein (p.Met169Val). This variant is present in population databases (rs369846514, gnomAD 0.03%). This variant has not been reported in the literature in individuals affected with AGTR1-related conditions. Algorithms developed to predict the effect of missense changes on protein structure and function are either unavailable or do not agree on the potential impact of this missense change (SIFT: "Tolerated"; PolyPhen-2: "Not Available"; Align-GVGD: "Class C0"). In summary, the available evidence is currently insufficient to determine the role of this variant in disease. Therefore, it has been classified as a Variant of Uncertain Significance.

NM_000685.5(AGTR1):c.400A>G (p.Met134Val)

Gene: AGTR1 (angiotensin II receptor type 1; plus strand). Cytogenetic location: 3q24.
Variant type: single nucleotide variant.
Coding change: c.400A>G on transcript NM_000685.5 (MANE Select); coding-DNA position 400, A replaced by G.
Protein change: p.Met134Val; replaces methionine 134 with valine.
Molecular consequence: missense variant.
Genome position (GRCh38, 1-based): chr3:148,741,435, A>G. VCF-style: chr3-148741435-A-G. GRCh37 (hg19) VCF-style: chr3-148459222-A-G.
Other names: p.Met169Val; c.505A>G (NM_031850.3); c.400A>G, p.Met134Val (NM_001382736.1, NM_001382737.1, NM_004835.5 and 3 more transcripts); short protein forms M134V.
Identifiers: ClinVar variation 2072860 (VCV002072860.3), dbSNP rs369846514, ClinGen allele CA2657325.